The following is an entry in ClinVar:

NM_001048174.2(MUTYH):c.1534G>T (p.Asp512Tyr)

Gene: MUTYH (mutY DNA glycosylase; minus strand). Cytogenetic location: 1p34.1.
Variant type: single nucleotide variant.
Coding change: c.1534G>T on transcript NM_001048174.2 (MANE Select); coding-DNA position 1534, G replaced by T.
Protein change: p.Asp512Tyr; replaces aspartic acid 512 with tyrosine.
Molecular consequence: missense variant. On other transcripts: non-coding transcript variant (7).
Genome position (GRCh38, 1-based): chr1:45,329,338, C>A on the plus strand (G>T on the coding strand, the complement: MUTYH is on the minus strand). VCF-style: chr1-45329338-C-A. GRCh37 (hg19) VCF-style: chr1-45795010-C-A.
Other names: c.1450G>T, p.Asp484Tyr (NM_001407075.1); c.1567G>T, p.Asp523Tyr (NM_001407077.1, NM_001293191.2, NM_001407069.1); c.1537G>T, p.Asp513Tyr (NM_001407078.1, NM_001407086.1, NM_001048172.2 and 1 more transcripts); c.1495G>T, p.Asp499Tyr (NM_001407079.1); c.1492G>T, p.Asp498Tyr (NM_001407080.1); c.1534G>T, p.Asp512Tyr (NM_001407081.1, NM_001048171.2, NM_001048173.2 and 6 more transcripts); c.1189G>T, p.Asp397Tyr (NM_001407082.1, NM_001350650.2, NM_001350651.2); c.1576G>T, p.Asp526Tyr (NM_001407083.1, NM_001407085.1); and 5 more; short protein forms D499Y, D512Y, D513Y, D484Y, D526Y, D420Y, D498Y, D527Y.
Identifiers: ClinVar variation 4113448 (VCV004113448.1).
Genomic context (GRCh38, chr1:45,329,338, plus strand): 5'-TCTCAGGGAATGGGGGCTTTCAGAGGTGTCACTGGGCTGCACTGTTGAGGCTGTGTGCAT[C>A]AGTGGAGATGTGAGACCGAAAGAAATTATCCAGGACTTGCTGGCCCATGCGGGGCTTTTT-3'
Protein context (NP_001041639.1, residues 502-521): DNFFRSHIST[Asp512Tyr]AHSLNSAAQ

ClinVar aggregate classification (germline): Uncertain significance (1 of 4 stars; one submission).

Conditions:
Hereditary cancer-predisposing syndrome. Also called: Hereditary neoplastic syndrome; Neoplastic Syndromes, Hereditary; Tumor predisposition; Hereditary Cancer Syndrome. Identifiers: Orphanet 140162, MedGen C0027672, MeSH D009386, MONDO:0015356.

Submission:

Ambry Genetics
Classification: Uncertain significance for Hereditary cancer-predisposing syndrome. Last evaluated: 2025-08-27. Review status: criteria provided, single submitter. Criteria: Ambry Variant Classification Scheme 2023. Collection method: clinical testing. Allele origin: germline.
Comment: The p.D540Y variant (also known as c.1618G>T), located in coding exon 16 of the MUTYH gene, results from a G to T substitution at nucleotide position 1618. The aspartic acid at codon 540 is replaced by tyrosine, an amino acid with highly dissimilar properties. This amino acid position is conserved. In addition, the in silico prediction for this alteration is inconclusive. Based on the available evidence, the clinical significance of this variant remains unclear.